The following is an entry in ClinVar:

NM_001009944.3(PKD1):c.7179C>A (p.Cys2393Ter)

Gene: PKD1 (polycystin 1, transient receptor potential channel interacting; minus strand). Cytogenetic location: 16p13.3.
Variant type: single nucleotide variant.
Coding change: c.7179C>A on transcript NM_001009944.3 (MANE Select); coding-DNA position 7179, C replaced by A.
Protein change: p.Cys2393Ter; replaces cysteine 2393 with a stop codon.
Molecular consequence: nonsense.
Genome position (GRCh38, 1-based): chr16:2,106,835, G>T on the plus strand (C>A on the coding strand, the complement: PKD1 is on the minus strand). VCF-style: chr16-2106835-G-T. GRCh37 (hg19) VCF-style: chr16-2156836-G-T.
Other names: c.7179C>A, p.Cys2393Ter (NM_000296.4); short protein forms C2393*.
Identifiers: ClinVar variation 4987036 (VCV004987036.1).

ClinVar aggregate classification (germline): Pathogenic (1 of 4 stars; one submission).

Conditions:
PKD1-related disorder. Also called: PKD1-related condition.

Submission:

PreventionGenetics, part of Exact Sciences
Classification: Pathogenic for PKD1-related condition. Last evaluated: 2026-03-01. Review status: criteria provided, single submitter. Criteria: ACMG Guidelines, 2015. Collection method: clinical testing. Allele origin: germline.
Comment: The PKD1 c.7179C>A variant is predicted to result in premature protein termination (p.Cys2393*). To our knowledge, this variant has not been reported in the literature or in a large population database (gnomAD), indicating this variant is rare. Nonsense variants in PKD1 are expected to be pathogenic. This variant is interpreted as pathogenic.